The following is an entry in ClinVar:

ClinVar aggregate classification (germline): Pathogenic/Likely pathogenic. Review status: criteria provided, multiple submitters, no conflicts (2 of 4 stars). 2 submissions from 2 submitters: Pathogenic (1); Likely pathogenic (1). Last evaluated 2015-06-01.

Conditions:
X-linked hydrocephalus syndrome (HYCX). Also called: X-linked hydrocephalus; AQUEDUCTAL STENOSIS, X-LINKED; X-Linked Hydrocephalus with Stenosis of the Aqueduct of Sylvius; X-Linked Hydrocephalus with Stenosis of the Aqueduct of Sylvius (HSAS); HYDROCEPHALUS, CONGENITAL, X-LINKED. Identifiers: Orphanet 2182, MedGen C0265216, MONDO:0010611, OMIM 307000.
MASA syndrome. Also called: ADDUCTED THUMB WITH MENTAL RETARDATION; CLASPED THUMB AND MENTAL RETARDATION; GAREIS-MASON SYNDROME; MENTAL RETARDATION, APHASIA, SHUFFLING GAIT, AND ADDUCTED THUMBS; MASA (Mental Retardation, Adducted Thumbs, Shuffling Gait, Aphasia) Syndrome, Including SPG1 (X-Linked Complicated Hereditary Spastic Paraplegia Type 1); MASA Syndrome (Mental Retardation, Adducted Thumbs, Shuffling Gait, and Aphasia). Identifiers: Orphanet 2466, MedGen C0795953, MONDO:0010559, OMIM 303350.
X-linked complicated corpus callosum dysgenesis. Also called: X-Linked Complicated Corpus Callosum Agenesis. Identifiers: Orphanet 1497, MedGen C1839909, MONDO:0010569, OMIM 304100.

Submissions (2):

GeneDx
Classification: Pathogenic. Last evaluated: 2015-06-01. Review status: criteria provided, single submitter. Criteria: GeneDx Variant Classification (06012015). Collection method: clinical testing. Allele origin: germline. Affected: yes.
Comment: The Y811X nonsense variant in the L1CAM gene is predicted to cause loss of normal protein functioneither through protein truncation or nonsense-mediated mRNA decay. Another nucleotide substitution(c.2433 C>G) resulting in the same nonsense variant at the protein level has been reported in associationwith hydrocephalus (Vos et al, 2010). Y811X was not observed in approximately 6,500 individuals ofEuropean and African American ancestry in the NHLBI Exome Sequencing Project, indicating it is not acommon benign variant in these populations. Therefore, we interpret this variant as pathogenic.

Molecular Genetics Department, Kulakov National Medical Research Center for Obstetrics, Gynecology and Perinatology
Classification: Likely pathogenic for MASA syndrome; X-linked complicated corpus callosum dysgenesis; X-linked hydrocephalus syndrome. Review status: criteria provided, single submitter. Criteria: ACMG Guidelines, 2015. Collection method: clinical testing. Allele origin: germline. Affected: yes. Observed: 1 variant allele.
Comment: A previously undescribed hemizygous nucleotide variant creates a premature translation stop signal p.Tyr811Ter in the L1CAM gene (rs782553641). Homozygous and compound heterozygous variants are reported in patients with ?Corpus callosum, partial agenesis of, 304100; Hydrocephalus, congenital, 307000; MASA syndrome, 303350. The variant is not present in population database (gnomAD no frequency). In summary, the currently available evidence indicates that the variant is pathogenic, but additional data are needed to prove that conclusively. Therefore, this variant has been classified as likely pathogenic.

NM_001278116.2(L1CAM):c.2433C>A (p.Tyr811Ter)

Gene: L1CAM (L1 cell adhesion molecule; minus strand). Cytogenetic location: Xq28.
Variant type: single nucleotide variant.
Coding change: c.2433C>A on transcript NM_001278116.2 (MANE Select); coding-DNA position 2433, C replaced by A.
Protein change: p.Tyr811Ter; replaces tyrosine 811 with a stop codon.
Molecular consequence: nonsense.
Genome position (GRCh38, 1-based): chrX:153,865,818, G>T on the plus strand (C>A on the coding strand, the complement: L1CAM is on the minus strand). VCF-style: chrX-153865818-G-T. GRCh37 (hg19) VCF-style: chrX-153131273-G-T.
Other names: c.2433C>A, p.Tyr811Ter (NM_000425.5, NM_024003.3); c.2418C>A, p.Tyr806Ter (NM_001143963.2); short protein forms Y811*, Y806*.
Identifiers: ClinVar variation 379893 (VCV000379893.3), dbSNP rs782553641, ClinGen allele CA16608745.